The following is an entry in ClinVar:

NM_006121.4(KRT1):c.487C>T (p.Gln163Ter)

Gene: KRT1 (keratin 1; minus strand). Cytogenetic location: 12q13.13.
Variant type: single nucleotide variant.
Coding change: c.487C>T on transcript NM_006121.4 (MANE Select); coding-DNA position 487, C replaced by T.
Protein change: p.Gln163Ter; replaces glutamine 163 with a stop codon.
Molecular consequence: nonsense.
Genome position (GRCh38, 1-based): chr12:52,679,862, G>A on the plus strand (C>T on the coding strand, the complement: KRT1 is on the minus strand). VCF-style: chr12-52679862-G-A. GRCh37 (hg19) VCF-style: chr12-53073646-G-A.
Other names: short protein forms Q163*.
Identifiers: ClinVar variation 4728166 (VCV004728166.1).

ClinVar aggregate classification (germline): Uncertain significance (1 of 4 stars; one submission).

Submission:

Labcorp Genetics (formerly Invitae), Labcorp
Classification: Uncertain significance. Last evaluated: 2026-01-03. Review status: criteria provided, single submitter. Criteria: Invitae Variant Classification Sherloc (09022015). Collection method: clinical testing. Allele origin: germline.
Comment: This sequence change creates a premature translational stop signal (p.Gln163*) in the KRT1 gene. It is expected to result in an absent or disrupted protein product. However, the current clinical and genetic evidence is not sufficient to establish whether loss-of-function variants in KRT1 cause disease. This variant is not present in population databases (gnomAD no frequency). This variant has not been reported in the literature in individuals affected with KRT1-related conditions. Algorithms developed to predict the effect of sequence changes on RNA splicing suggest that this variant may create or strengthen a splice site. In summary, the available evidence is currently insufficient to determine the role of this variant in disease. Therefore, it has been classified as a Variant of Uncertain Significance.